The following is an entry in ClinVar:

NM_024678.6(NARS2):c.690-320T>C

Gene: NARS2 (asparaginyl-tRNA synthetase 2, mitochondrial; minus strand). Cytogenetic location: 11q14.1.
Variant type: single nucleotide variant.
Coding change: c.690-320T>C on transcript NM_024678.6 (MANE Select); 320 bases into the intron before coding-DNA position 690, T replaced by C.
Molecular consequence: intron variant.
Genome position (GRCh38, 1-based): chr11:78,493,515, A>G on the plus strand (T>C on the coding strand, the complement: NARS2 is on the minus strand). VCF-style: chr11-78493515-A-G. GRCh37 (hg19) VCF-style: chr11-78204561-A-G.
Other names: c.9-320T>C (NM_001243251.2).
Identifiers: ClinVar variation 682659 (VCV000682659.1), dbSNP rs4547122, ClinGen allele CA225103594.

ClinVar aggregate classification (germline): Benign (1 of 4 stars; one submission).

Allele frequency attached by ClinVar (database versions not stated): gnomAD 0.99996; TOPMed 0.99998; 1000 Genomes Project 1.00000; 1000 Genomes Project 30x 1.00000.
gnomAD v4.1: 152,258 of 152,264 alleles (100%); highest among the groups gnomAD compares: Non-Finnish European, 100%; 76,126 homozygotes.

Submission:

GeneDx
Classification: Benign. Last evaluated: 2018-06-14. Review status: criteria provided, single submitter. Criteria: GeneDx Variant Classification (06012015). Collection method: clinical testing. Allele origin: germline. Affected: yes.
Comment: This variant is considered likely benign or benign based on one or more of the following criteria: it is a conservative change, it occurs at a poorly conserved position in the protein, it is predicted to be benign by multiple in silico algorithms, and/or has population frequency not consistent with disease.